The following is an entry in ClinVar:

ClinVar aggregate classification (germline): Uncertain significance (1 of 4 stars; one submission).

Conditions:
Myopathy, centronuclear, 2 (CNM2). Also called: MYOTUBULAR MYOPATHY, AUTOSOMAL RECESSIVE. Identifiers: Orphanet 169186, MedGen CN031787, MONDO:0009709, OMIM 255200.

Allele frequency attached by ClinVar (database versions not stated): TOPMed below 0.00001.

Submission:

Labcorp Genetics (formerly Invitae), Labcorp
Classification: Uncertain significance for Myopathy, centronuclear, 2. Last evaluated: 2022-01-27. Review status: criteria provided, single submitter. Criteria: Invitae Variant Classification Sherloc (09022015). Collection method: clinical testing. Allele origin: germline.
Comment: This sequence change replaces threonine, which is neutral and polar, with methionine, which is neutral and non-polar, at codon 10 of the BIN1 protein (p.Thr10Met). This variant is not present in population databases (gnomAD no frequency). This variant has not been reported in the literature in individuals affected with BIN1-related conditions. Algorithms developed to predict the effect of missense changes on protein structure and function are either unavailable or do not agree on the potential impact of this missense change (SIFT: "Tolerated"; PolyPhen-2: "Probably Damaging"; Align-GVGD: "Class C0"). In summary, the available evidence is currently insufficient to determine the role of this variant in disease. Therefore, it has been classified as a Variant of Uncertain Significance.

NM_139343.3(BIN1):c.29C>T (p.Thr10Met)

Gene: BIN1 (bridging integrator 1; minus strand). Cytogenetic location: 2q14.3.
Variant type: single nucleotide variant.
Coding change: c.29C>T on transcript NM_139343.3 (MANE Select); coding-DNA position 29, C replaced by T.
Protein change: p.Thr10Met; replaces threonine 10 with methionine.
Molecular consequence: missense variant.
Genome position (GRCh38, 1-based): chr2:127,106,915, G>A on the plus strand (C>T on the coding strand, the complement: BIN1 is on the minus strand). VCF-style: chr2-127106915-G-A. GRCh37 (hg19) VCF-style: chr2-127864491-G-A.
Other names: c.29C>T, p.Thr10Met (NM_001320640.2, NM_001320641.2, NM_004305.4 and 10 more transcripts); short protein forms T10M.
Identifiers: ClinVar variation 1953282 (VCV001953282.5), dbSNP rs1681237812, ClinGen allele CA348376274.
Genomic context (GRCh38, chr2:127,106,915, plus strand): 5'-CTCACCTTCTCCTGCGCGCGGGTGAGCTTCTTCTGCACGTTGCTGGCGATCTTTCCCGCC[G>A]TCACCCCTTTACTGCCCATCTCTGCCATCGCGGCGCAGGCCTCGCCCGGTGGCAGGGGCC-3'
Protein context (NP_647593.1, residues 1-20): MAEMGSKGV[Thr10Met]AGKIASNVQK